The following is an entry in ClinVar:

NM_032119.4(ADGRV1):c.17622dup (p.Val5875fs)

Gene: ADGRV1 (adhesion G protein-coupled receptor V1; plus strand). Cytogenetic location: 5q14.3.
Variant type: Duplication.
Coding change: c.17622dup on transcript NM_032119.4 (MANE Select); coding-DNA position 17622, one base duplicated (A; older notation c.17622dupA).
Protein change: p.Val5875fs; shifts the reading frame from valine 5875.
Molecular consequence: frameshift variant. On other transcripts: non-coding transcript variant (1).
Genome position (GRCh38, 1-based): chr5:90,855,768, A duplicated; the last of 3 consecutive A bases (chr5:90,855,766-90,855,768); duplicating any one gives the same sequence. VCF-style (leftmost placement, unchanged base first): chr5-90855765-C-CA. GRCh37 (hg19) VCF-style: chr5-90151582-C-CA.
Other names: short protein forms V5875fs.
Identifiers: ClinVar variation 2816621 (VCV002816621.3), dbSNP rs2532562145, ClinGen allele CA2578360400.

ClinVar aggregate classification (germline): Pathogenic (1 of 4 stars; one submission).

Submission:

Labcorp Genetics (formerly Invitae), Labcorp
Classification: Pathogenic. Last evaluated: 2022-11-25. Review status: criteria provided, single submitter. Criteria: Invitae Variant Classification Sherloc (09022015). Collection method: clinical testing. Allele origin: germline.
Comment: This variant is not present in population databases (gnomAD no frequency). This variant has not been reported in the literature in individuals affected with ADGRV1-related conditions. For these reasons, this variant has been classified as Pathogenic. This sequence change creates a premature translational stop signal (p.Val5875Serfs*3) in the ADGRV1 gene. It is expected to result in an absent or disrupted protein product. Loss-of-function variants in ADGRV1 are known to be pathogenic (PMID: 19357117, 22135276, 22147658, 26226137, 30718709, 31047384, 32467589).

Literature cited by the submitters: PubMed 19357117; PubMed 22135276; PubMed 22147658; PubMed 26226137; PubMed 30718709; PubMed 31047384; PubMed 32467589.